The following is an entry in ClinVar:

NM_001242.5(CD27):c.406_407del (p.Leu136fs)

Genes: CD27 (CD27 molecule; plus strand), CD27-AS1 (CD27 antisense RNA 1; minus strand). Cytogenetic location: 12p13.31.
Variant type: Deletion.
Coding change: c.406_407del on transcript NM_001242.5 (MANE Select); coding-DNA positions 406 to 407, 2 bases deleted (CT; older notation c.406_407delCT).
Protein change: p.Leu136fs; shifts the reading frame from leucine 136.
Molecular consequence: frameshift variant.
Genome position (GRCh38, 1-based): chr12:6,450,310-6,450,311, CT deleted. VCF-style (leftmost placement, unchanged base first): chr12-6450309-CCT-C. GRCh37 (hg19) VCF-style: chr12-6559475-CCT-C.
Other names: short protein forms L136fs.
Identifiers: ClinVar variation 1163933 (VCV001163933.7), dbSNP rs1949504456, ClinGen allele CA2014081432.

ClinVar aggregate classification (germline): Pathogenic/Likely pathogenic. Review status: criteria provided, multiple submitters, no conflicts (2 of 4 stars). 3 submissions from 3 submitters: Pathogenic (1); Likely pathogenic (2). Last evaluated 2025-08-12.

Conditions:
Lymphoproliferative syndrome 2 (LPFS2). Also called: Combined immunodeficiency due to CD27 deficiency; CD27 DEFICIENCY. Identifiers: Orphanet 238505, MedGen C3554540, MONDO:0014054, OMIM 615122.

Allele frequency attached by ClinVar (database versions not stated): gnomAD exomes below 0.00001; TOPMed below 0.00001.

Submissions (3):

GeneDx
Classification: Likely pathogenic. Last evaluated: 2025-08-12. Review status: criteria provided, single submitter. Criteria: GeneDx Variant Classification Process June 2021. Collection method: clinical testing. Allele origin: germline. Affected: yes.
Comment: Frameshift variant predicted to result in protein truncation or nonsense mediated decay in a gene or region of a gene for which loss of function is not a well-established mechanism of disease; Not observed at significant frequency in large population cohorts (gnomAD); Has not been previously published as pathogenic or benign to our knowledge

Labcorp Genetics (formerly Invitae), Labcorp
Classification: Pathogenic for Lymphoproliferative syndrome 2. Last evaluated: 2024-09-23. Review status: criteria provided, single submitter. Criteria: Invitae Variant Classification Sherloc (09022015). Collection method: clinical testing. Allele origin: germline.
Comment: This sequence change creates a premature translational stop signal (p.Leu136Glufs*14) in the CD27 gene. It is expected to result in an absent or disrupted protein product. Loss-of-function variants in CD27 are known to be pathogenic (PMID: 25843314). This variant is not present in population databases (gnomAD no frequency). This variant has not been reported in the literature in individuals affected with CD27-related conditions. ClinVar contains an entry for this variant (Variation ID: 1163933). For these reasons, this variant has been classified as Pathogenic.

Mayo Clinic Laboratories, Mayo Clinic
Classification: Likely pathogenic. Last evaluated: 2020-09-29. Review status: criteria provided, single submitter. Criteria: ACMG Guidelines, 2015. Collection method: clinical testing. Allele origin: germline. Observed: 1 variant allele.
Comment: PVS1, PM2

Literature cited by the submitters: PubMed 25843314 (cited by Labcorp Genetics (formerly Invitae), Labcorp).